The following is an entry in ClinVar:

NM_000363.5(TNNI3):c.449C>A (p.Ser150Tyr)

Gene: TNNI3 (troponin I3, cardiac type; minus strand). Cytogenetic location: 19q13.42.
Variant type: single nucleotide variant.
Coding change: c.449C>A on transcript NM_000363.5 (MANE Select); coding-DNA position 449, C replaced by A.
Protein change: p.Ser150Tyr; replaces serine 150 with tyrosine.
Molecular consequence: missense variant.
Genome position (GRCh38, 1-based): chr19:55,154,130, G>T on the plus strand (C>A on the coding strand, the complement: TNNI3 is on the minus strand). VCF-style: chr19-55154130-G-T. GRCh37 (hg19) VCF-style: chr19-55665498-G-T.
Other names: short protein forms S150Y.
Identifiers: ClinVar variation 2708730 (VCV002708730.3), dbSNP rs2515498466, ClinGen allele CA407440478.

ClinVar aggregate classification (germline): Uncertain significance (1 of 4 stars; one submission).

Conditions:
Hypertrophic cardiomyopathy. Also called: HYPERTROPHIC MYOCARDIOPATHY. Identifiers: Orphanet 217569, MedGen C0007194, MeSH D002312, MONDO:0005045, HP:0001639.

Submission:

Labcorp Genetics (formerly Invitae), Labcorp
Classification: Uncertain significance for Hypertrophic cardiomyopathy. Last evaluated: 2024-01-18. Review status: criteria provided, single submitter. Criteria: Invitae Variant Classification Sherloc (09022015). Collection method: clinical testing. Allele origin: germline.
Comment: This sequence change replaces serine, which is neutral and polar, with tyrosine, which is neutral and polar, at codon 150 of the TNNI3 protein (p.Ser150Tyr). This variant is not present in population databases (gnomAD no frequency). This missense change has been observed in individual(s) with clinical features of hypertrophic cardiomyopathy (Invitae). An algorithm developed to predict the effect of missense changes on protein structure and function (PolyPhen-2) suggests that this variant is likely to be disruptive. In summary, the available evidence is currently insufficient to determine the role of this variant in disease. Therefore, it has been classified as a Variant of Uncertain Significance.